The following is an entry in ClinVar:

ClinVar aggregate classification (germline): Uncertain significance (1 of 4 stars; one submission).

Conditions:
Spondylocostal dysostosis 3, autosomal recessive (SCDO3). Also called: LFNG-Related Spondylocostal Dysostosis, Autosomal Recessive. Identifiers: Orphanet 2311, MedGen C1853296, MONDO:0012349, OMIM 609813.

Allele frequency attached by ClinVar (database versions not stated): ExAC 0.00002; gnomAD 0.00003; TOPMed 0.00003; ESP Exome Variant Server 0.00008.
gnomAD v4.1: 15 of 1,612,508 alleles (0.00093%); highest among the groups gnomAD compares: African/African-American, 0.0053%; no homozygotes.

Submission:

Labcorp Genetics (formerly Invitae), Labcorp
Classification: Uncertain significance for Spondylocostal dysostosis 3, autosomal recessive. Last evaluated: 2023-07-28. Review status: criteria provided, single submitter. Criteria: Invitae Variant Classification Sherloc (09022015). Collection method: clinical testing. Allele origin: germline.
Comment: In summary, the available evidence is currently insufficient to determine the role of this variant in disease. Therefore, it has been classified as a Variant of Uncertain Significance. This sequence change replaces leucine, which is neutral and non-polar, with phenylalanine, which is neutral and non-polar, at codon 305 of the LFNG protein (p.Leu305Phe). This variant is present in population databases (rs144930406, gnomAD 0.008%). This missense change has been observed in individual(s) with clinical features of spondylocostal dysostosis (Invitae). Advanced modeling of protein sequence and biophysical properties (such as structural, functional, and spatial information, amino acid conservation, physicochemical variation, residue mobility, and thermodynamic stability) performed at Invitae indicates that this missense variant is not expected to disrupt LFNG protein function.

NM_001040167.2(LFNG):c.913C>T (p.Leu305Phe)

Gene: LFNG (LFNG O-fucosylpeptide 3-beta-N-acetylglucosaminyltransferase; plus strand). Cytogenetic location: 7p22.3.
Variant type: single nucleotide variant.
Coding change: c.913C>T on transcript NM_001040167.2 (MANE Select); coding-DNA position 913, C replaced by T.
Protein change: p.Leu305Phe; replaces leucine 305 with phenylalanine.
Molecular consequence: missense variant.
Genome position (GRCh38, 1-based): chr7:2,526,335, C>T. VCF-style: chr7-2526335-C-T. GRCh37 (hg19) VCF-style: chr7-2565969-C-T.
Other names: c.913C>T, p.Leu305Phe (NM_001040168.2); c.700C>T, p.Leu234Phe (NM_001166355.2); c.526C>T, p.Leu176Phe (NM_002304.3); short protein forms L176F, L234F, L305F.
Identifiers: ClinVar variation 2906043 (VCV002906043.1), dbSNP rs144930406, ClinGen allele CA4127195.